The following is an entry in ClinVar:

NM_001271956.2(TPGS2):c.658-6749G>A

Gene: TPGS2 (tubulin polyglutamylase complex subunit 2; minus strand). Cytogenetic location: 18q12.2.
Variant type: single nucleotide variant.
Coding change: c.658-6749G>A on transcript NM_001271956.2; 6749 bases into the intron before coding-DNA position 658, G replaced by A.
Molecular consequence: intron variant. On other transcripts: missense variant (1), 3 prime UTR variant (2).
Genome position (GRCh38, 1-based): chr18:36,786,937, C>T on the plus strand (G>A on the coding strand, the complement: TPGS2 is on the minus strand). VCF-style: chr18-36786937-C-T. GRCh37 (hg19) VCF-style: chr18-34366900-C-T.
Other names: c.800G>A, p.Arg267Gln (NM_001271951.2); c.*7G>A (NM_001271953.2); c.*132G>A (NM_001271955.2); c.658-3806G>A (NM_001330572.2); short protein forms R267Q.
Identifiers: ClinVar variation 2648681 (VCV002648681.22), dbSNP rs139703292, ClinGen allele CA8942523.

ClinVar aggregate classification (germline): Likely benign (1 of 4 stars; one submission).

Allele frequency attached by ClinVar (database versions not stated): TOPMed 0.00110; gnomAD exomes 0.00150; 1000 Genomes Project 0.00060; ExAC 0.00189; gnomAD 0.00220; 1000 Genomes Project 30x 0.00078.
gnomAD v4.1: 1,946 of 1,234,394 alleles (0.16%); highest among the groups gnomAD compares: Non-Finnish European, 0.14%; 8 homozygotes.

Submission:

CeGaT Center for Human Genetics Tuebingen
Classification: Likely benign. Last evaluated: 2022-12-01. Review status: criteria provided, single submitter. Criteria: CeGaT Center For Human Genetics Tuebingen Variant Classification Criteria Version 2. Collection method: clinical testing. Allele origin: germline. Affected: yes. Observed: 1 variant allele.
Comment: TPGS2: BP4